The following is an entry in ClinVar:

NM_001031679.3(MSRB3):c.522C>T (p.Val174=)

Gene: MSRB3 (methionine sulfoxide reductase B3; plus strand). Cytogenetic location: 12q14.3.
Variant type: single nucleotide variant.
Coding change: c.522C>T on transcript NM_001031679.3 (MANE Select); coding-DNA position 522, C replaced by T.
Protein change: p.Val174=; no amino-acid change (valine 174 retained).
Molecular consequence: synonymous variant.
Genome position (GRCh38, 1-based): chr12:65,463,286, C>T. VCF-style: chr12-65463286-C-T. GRCh37 (hg19) VCF-style: chr12-65857066-C-T.
Other names: c.522C>T, p.Val174= (NM_001193460.2, NM_001193461.2); c.543C>T, p.Val181= (NM_198080.4).
Identifiers: ClinVar variation 504948 (VCV000504948.4), dbSNP rs370488628, ClinGen allele CA6671540.

ClinVar aggregate classification (germline): Likely benign (1 of 4 stars; one submission).

Allele frequency attached by ClinVar (database versions not stated): ExAC 0.00002; gnomAD 0.00002; gnomAD exomes 0.00002 and 0.00003; TOPMed 0.00002.
gnomAD v4.1: 26 of 1,613,984 alleles (0.0016%); highest among the groups gnomAD compares: South Asian, 0.0066%; no homozygotes.

Submission:

Laboratory for Molecular Medicine, Mass General Brigham Personalized Medicine
Classification: Likely benign. Last evaluated: 2016-05-10. Review status: criteria provided, single submitter. Criteria: LMM Criteria. Collection method: clinical testing. Allele origin: germline. Observed: 1 variant allele.
Comment: p.Val174Val in exon 8 of MSRB3: This variant is not expected to have clinical si gnificance because it does not alter an amino acid residue and is not located wi thin the splice consensus sequence. It has been identified in 3/121196 of the to tal chromosomes across several populations by the Exome Aggregation Consortium ( ExAC; dbSNP rs370488628).